The following is an entry in ClinVar:

ClinVar aggregate classification (germline): Uncertain significance (1 of 4 stars; one submission).

Conditions:
Hereditary cancer-predisposing syndrome. Also called: Neoplastic Syndromes, Hereditary; Tumor predisposition; Hereditary Cancer Syndrome; Hereditary neoplastic syndrome. Identifiers: Orphanet 140162, MedGen C0027672, MeSH D009386, MONDO:0015356.

Submission:

Ambry Genetics
Classification: Uncertain significance for Hereditary cancer-predisposing syndrome. Last evaluated: 2023-03-19. Review status: criteria provided, single submitter. Criteria: Ambry Variant Classification Scheme 2023. Collection method: clinical testing. Allele origin: germline.
Comment: The p.G1224R variant (also known as c.3670G>A), located in coding exon 19 of the BRIP1 gene, results from a G to A substitution at nucleotide position 3670. The glycine at codon 1224 is replaced by arginine, an amino acid with dissimilar properties. This amino acid position is not well conserved in available vertebrate species. In addition, this alteration is predicted to be tolerated by in silico analysis. Since supporting evidence is limited at this time, the clinical significance of this alteration remains unclear.

NM_032043.3(BRIP1):c.3670G>A (p.Gly1224Arg)

Gene: BRIP1 (BRCA1 interacting DNA helicase 1; minus strand). Cytogenetic location: 17q23.2.
Variant type: single nucleotide variant.
Coding change: c.3670G>A on transcript NM_032043.3 (MANE Select); coding-DNA position 3670, G replaced by A.
Protein change: p.Gly1224Arg; replaces glycine 1224 with arginine.
Molecular consequence: missense variant.
Genome position (GRCh38, 1-based): chr17:61,683,376, C>T on the plus strand (G>A on the coding strand, the complement: BRIP1 is on the minus strand). VCF-style: chr17-61683376-C-T. GRCh37 (hg19) VCF-style: chr17-59760737-C-T.
Other names: short protein forms G1224R.
Identifiers: ClinVar variation 1733792 (VCV001733792.3), dbSNP rs2544552311, ClinGen allele CA400477862.